The following is an entry in ClinVar:

ClinVar aggregate classification (germline): Uncertain significance (1 of 4 stars; one submission).

Conditions:
Hereditary cancer-predisposing syndrome. Also called: Neoplastic Syndromes, Hereditary; Tumor predisposition; Hereditary neoplastic syndrome; Hereditary Cancer Syndrome. Identifiers: Orphanet 140162, MedGen C0027672, MeSH D009386, MONDO:0015356.

gnomAD v4.1: 1 of 1,612,672 alleles (0.000062%); highest among the groups gnomAD compares: South Asian, 0.0011%; no homozygotes.

Submission:

Ambry Genetics
Classification: Uncertain significance for Hereditary cancer-predisposing syndrome. Last evaluated: 2024-06-07. Review status: criteria provided, single submitter. Criteria: Ambry Variant Classification Scheme 2023. Collection method: clinical testing. Allele origin: germline.
Comment: The p.D398G variant (also known as c.1193A>G), located in coding exon 10 of the POT1 gene, results from an A to G substitution at nucleotide position 1193. The aspartic acid at codon 398 is replaced by glycine, an amino acid with similar properties. This amino acid position is conserved. In addition, this alteration is predicted to be tolerated by in silico analysis. Based on the available evidence, the clinical significance of this variant remains unclear.

NM_015450.3(POT1):c.1193A>G (p.Asp398Gly)

Gene: POT1 (protection of telomeres 1; minus strand). Cytogenetic location: 7q31.33.
Variant type: single nucleotide variant.
Coding change: c.1193A>G on transcript NM_015450.3 (MANE Select); coding-DNA position 1193, A replaced by G.
Protein change: p.Asp398Gly; replaces aspartic acid 398 with glycine.
Molecular consequence: missense variant. On other transcripts: non-coding transcript variant (3).
Genome position (GRCh38, 1-based): chr7:124,841,149, T>C on the plus strand (A>G on the coding strand, the complement: POT1 is on the minus strand). VCF-style: chr7-124841149-T-C. GRCh37 (hg19) VCF-style: chr7-124481203-T-C.
Other names: c.800A>G, p.Asp267Gly (NM_001042594.2); short protein forms D267G, D398G.
Identifiers: ClinVar variation 3308982 (VCV003308982.1).